The following is an entry in ClinVar:

NM_032444.4(SLX4):c.4162C>G (p.Pro1388Ala)

Gene: SLX4 (SLX4 structure-specific endonuclease subunit; minus strand). Cytogenetic location: 16p13.3.
Variant type: single nucleotide variant.
Coding change: c.4162C>G on transcript NM_032444.4 (MANE Select); coding-DNA position 4162, C replaced by G.
Protein change: p.Pro1388Ala; replaces proline 1388 with alanine.
Molecular consequence: missense variant.
Genome position (GRCh38, 1-based): chr16:3,589,476, G>C on the plus strand (C>G on the coding strand, the complement: SLX4 is on the minus strand). VCF-style: chr16-3589476-G-C. GRCh37 (hg19) VCF-style: chr16-3639477-G-C.
Other names: c.4162C>G (LRG_503t1); short protein forms P1388A.
Identifiers: ClinVar variation 526417 (VCV000526417.7), dbSNP rs1457147753, ClinGen allele CA394518299.
Genomic context (GRCh38, chr16:3,589,476, plus strand): 5'-GATGGGAGGCCACCTCCTGCTCATCGTCACTGTCTCCGACTTCCACCACTTCACCCGCTG[G>C]GGTCTGGTTCAGGAAGCTTGGCCCAGGCGGCGAGTGTTTCAGGAACCGCCTGCTGAAGTG-3'
Protein context (NP_115820.2, residues 1378-1398): PPGPSFLNQT[Pro1388Ala]AGEVVEVGDS

ClinVar aggregate classification (germline): Uncertain significance (1 of 4 stars; one submission).

Conditions:
Fanconi anemia (FA). Also called: Fanconi's anemia. Identifiers: Orphanet 84, MedGen C0015625, MeSH D005199, MONDO:0019391.

gnomAD v4.1: 3 of 1,608,854 alleles (0.00019%); highest among the groups gnomAD compares: Non-Finnish European, 0.000085%; no homozygotes.

Submission:

Labcorp Genetics (formerly Invitae), Labcorp
Classification: Uncertain significance for Fanconi anemia. Last evaluated: 2024-11-04. Review status: criteria provided, single submitter. Criteria: Invitae Variant Classification Sherloc (09022015). Collection method: clinical testing. Allele origin: germline.
Comment: This sequence change replaces proline, which is neutral and non-polar, with alanine, which is neutral and non-polar, at codon 1388 of the SLX4 protein (p.Pro1388Ala). This variant is not present in population databases (gnomAD no frequency). This variant has not been reported in the literature in individuals affected with SLX4-related conditions. ClinVar contains an entry for this variant (Variation ID: 526417). An algorithm developed to predict the effect of missense changes on protein structure and function outputs the following: PolyPhen-2: "Benign". The alanine amino acid residue is found in multiple mammalian species, which suggests that this missense change does not adversely affect protein function. In summary, the available evidence is currently insufficient to determine the role of this variant in disease. Therefore, it has been classified as a Variant of Uncertain Significance.